The following is an entry in ClinVar:

ClinVar aggregate classification (germline): Uncertain significance. Review status: criteria provided, multiple submitters, no conflicts (2 of 4 stars). 2 submissions from 2 submitters: Uncertain significance (2). Last evaluated 2026-01-08.

Conditions:
Inborn genetic diseases. Identifiers: MedGen C0950123, MeSH D030342.

Allele frequency attached by ClinVar (database versions not stated): gnomAD 0.00001; ExAC 0.00002; TOPMed 0.00002; 1000 Genomes Project 30x 0.00016; 1000 Genomes Project 0.00020.
gnomAD v4.1: 17 of 1,595,132 alleles (0.0011%); highest among the groups gnomAD compares: East Asian, 0.03%; no homozygotes.

Submissions (2):

Labcorp Genetics (formerly Invitae), Labcorp
Classification: Uncertain significance. Last evaluated: 2026-01-08. Review status: criteria provided, single submitter. Criteria: Invitae Variant Classification Sherloc (09022015). Collection method: clinical testing. Allele origin: germline.
Comment: This sequence change replaces leucine, which is neutral and non-polar, with tryptophan, which is neutral and slightly polar, at codon 511 of the DLL3 protein (p.Leu511Trp). This variant is present in population databases (rs543714737, gnomAD 0.04%). This variant has not been reported in the literature in individuals affected with DLL3-related conditions. ClinVar contains an entry for this variant (Variation ID: 3082921). An algorithm developed to predict the effect of missense changes on protein structure and function (PolyPhen-2) suggests that this variant is likely to be tolerated. In summary, the available evidence is currently insufficient to determine the role of this variant in disease. Therefore, it has been classified as a Variant of Uncertain Significance.

Ambry Genetics
Classification: Uncertain significance for Inborn genetic diseases. Last evaluated: 2023-12-15. Review status: criteria provided, single submitter. Criteria: Ambry Variant Classification Scheme 2023. Collection method: clinical testing. Allele origin: germline.

NM_203486.3(DLL3):c.1532T>G (p.Leu511Trp)

Genes: DLL3 (delta like canonical Notch ligand 3; plus strand), LOC130064419 (ATAC-STARR-seq lymphoblastoid silent region 10610; plus strand). Cytogenetic location: 19q13.2.
Variant type: single nucleotide variant.
Coding change: c.1532T>G on transcript NM_203486.3 (MANE Select); coding-DNA position 1532, T replaced by G.
Protein change: p.Leu511Trp; replaces leucine 511 with tryptophan.
Molecular consequence: missense variant.
Genome position (GRCh38, 1-based): chr19:39,507,477, T>G. VCF-style: chr19-39507477-T-G. GRCh37 (hg19) VCF-style: chr19-39998117-T-G.
Other names: c.1532T>G, p.Leu511Trp (NM_016941.4); short protein forms L511W.
Identifiers: ClinVar variation 3082921 (VCV003082921.2), dbSNP rs543714737, ClinGen allele CA9432467.